The following is an entry in ClinVar:

NM_032578.4(MYPN):c.2653C>T (p.Arg885Ter)

Gene: MYPN (myopalladin; plus strand). Cytogenetic location: 10q21.3.
Variant type: single nucleotide variant.
Coding change: c.2653C>T on transcript NM_032578.4 (MANE Select); coding-DNA position 2653, C replaced by T.
Protein change: p.Arg885Ter; replaces arginine 885 with a stop codon.
Molecular consequence: nonsense. On other transcripts: non-coding transcript variant (1).
Genome position (GRCh38, 1-based): chr10:68,175,411, C>T. VCF-style: chr10-68175411-C-T. GRCh37 (hg19) VCF-style: chr10-69935168-C-T.
Other names: c.2653C>T, p.Arg885Ter (NM_001256267.2); c.1771C>T, p.Arg591Ter (NM_001256268.2); c.2653C>T (NM_032578.2); short protein forms R885*, R591*.
Identifiers: ClinVar variation 31818 (VCV000031818.11), dbSNP rs199476412, ClinGen allele CA215335.
Genomic context (GRCh38, chr10:68,175,411, plus strand): 5'-ACAAAGTCTCCTCAACCAGTGAATGATGATAACATTCGTGAAACTAAGAACGCAGTGATT[C>T]GAGACTTGGGGAAAAAAATAACTTTCAGTGATGTCAGACCAAACCAGCAGGTAAGATTGT-3'

ClinVar aggregate classification (germline): Conflicting classifications of pathogenicity. Review status: criteria provided, conflicting classifications (1 of 4 stars). 6 submissions from 6 submitters: Pathogenic (4); Uncertain significance (1). 1 of the submissions does not count toward it. Last evaluated 2025-11-12.

Conditions:
Cardiovascular phenotype. Identifiers: MedGen CN230736.
MYPN-related myopathy (CMYO24). Also called: Nemaline myopathy 11, autosomal recessive. Identifiers: MedGen C4479186, MONDO:0015023, OMIM 617336.
Dilated cardiomyopathy 1KK (CMD1KK). Identifiers: Orphanet 154, Orphanet 75249, MedGen C3714995, MONDO:0014100, OMIM 615248.
Cap myopathy. Identifiers: Orphanet 171881, MedGen C3710589, MONDO:0015753.

Allele frequency attached by ClinVar (database versions not stated): gnomAD 0.00001; TOPMed below 0.00001; ExAC 0.00001.
gnomAD v4.1: 3 of 1,613,904 alleles (0.00019%); highest among the groups gnomAD compares: East Asian, 0.0022%; no homozygotes.

Submissions (6):

Labcorp Genetics (formerly Invitae), Labcorp
Classification: Pathogenic for Dilated cardiomyopathy 1KK. Last evaluated: 2025-11-12. Review status: criteria provided, single submitter. Criteria: Invitae Variant Classification Sherloc (09022015). Collection method: clinical testing. Allele origin: germline.
Comment: This sequence change creates a premature translational stop signal (p.Arg885*) in the MYPN gene. It is expected to result in an absent or disrupted protein product. Loss-of-function variants in MYPN are known to be pathogenic (PMID: 28017374). This variant is present in population databases (rs199476412, gnomAD 0.006%). This premature translational stop signal has been observed in individual(s) with autosomal recessive congenital myopathy and autosomal dominant hypertrophic cardiomyopathy (PMID: 28220527). ClinVar contains an entry for this variant (Variation ID: 31818). For these reasons, this variant has been classified as Pathogenic.

Ambry Genetics
Classification: Pathogenic for Cardiovascular phenotype. Last evaluated: 2024-05-16. Review status: criteria provided, single submitter. Criteria: Ambry Variant Classification Scheme 2023. Collection method: clinical testing. Allele origin: germline.
Comment: The p.R885* pathogenic mutation (also known as c.2653C>T), located in coding exon 11 of the MYPN gene, results from a C to T substitution at nucleotide position 2653. This changes the amino acid from an arginine to a stop codon within coding exon 11. This variant has been identified in the homozygous state in two individual(s) from one family with features consistent with MYPN-related nemaline myopathy (Lornage X et al. Ann Neurol, 2017 Mar;81:467-473). This alteration is expected to result in loss of function by premature protein truncation or nonsense-mediated mRNA decay. As such, this alteration is interpreted as a disease-causing mutation.

Muscle and Diseases Team, Institut de Génétique et Biologie Moléculaire et Cellulaire
Classification: Pathogenic for Cap myopathy. Last evaluated: 2024-03-01. Review status: criteria provided, single submitter. Criteria: ACMG Guidelines, 2015. Collection method: research. Allele origin: biparental. Affected: yes. Observed: 1 variant allele.
Comment: PVS1+PS3+PM2+PP3+PP4+PP5

MGZ Medical Genetics Center
Classification: Pathogenic for MYPN-related myopathy. Last evaluated: 2022-05-25. Review status: criteria provided, single submitter. Criteria: ACMG Guidelines, 2015. Collection method: clinical testing. Allele origin: germline. Affected: yes. Observed: 1 variant allele.
Comment: ACMG criteria applied: PVS1, PS4_MOD, PM2_SUP

AiLife Diagnostics
Classification: Uncertain significance. Last evaluated: 2021-10-20. Review status: criteria provided, single submitter. Criteria: ACMG Guidelines, 2015. Collection method: clinical testing. Allele origin: germline. Affected: yes. Observed: 1 variant allele.

Leiden Muscular Dystrophy (MYPN)
No classification provided. Last evaluated: 2012-04-27. Review status: no classification provided. Collection method: curation. Allele origin: germline. Not counted in ClinVar's aggregate classification.

Literature cited by the submitters: PubMed 28017374 (cited by Labcorp Genetics (formerly Invitae), Labcorp); PubMed 28220527 (cited by 3 submitters); PubMed 22286171 (cited by Ambry Genetics and AiLife Diagnostics); DOI 10.1186/s13073-024-01353-0 (cited by Muscle and Diseases Team, Institut de Génétique et Biologie Moléculaire et Cellulaire).